The following is an entry in ClinVar:

NM_005187.6(CBFA2T3):c.151+26120G>A

Genes: CBFA2T3 (CBFA2/RUNX1 partner transcriptional co-repressor 3; minus strand), LOC100129697 (uncharacterized LOC100129697; plus strand). Cytogenetic location: 16q24.3.
Variant type: single nucleotide variant.
Coding change: c.151+26120G>A on transcript NM_005187.6 (MANE Select); 26120 bases into the intron after coding-DNA position 151, G replaced by A.
Molecular consequence: intron variant. On other transcripts: non-coding transcript variant (1).
Genome position (GRCh38, 1-based): chr16:88,950,537, C>T on the plus strand (G>A on the coding strand, the complement: CBFA2T3 is on the minus strand). VCF-style: chr16-88950537-C-T. GRCh37 (hg19) VCF-style: chr16-89016945-C-T.
Identifiers: ClinVar variation 2647019 (VCV002647019.24), dbSNP rs202218657, ClinGen allele CA8237216.
Genomic context (GRCh38, chr16:88,950,537, plus strand): 5'-GGACCGGCACCGCCACAGAGGGTCAGGAGTGTTGGCACCTGTCTTCCGGGTCAGTTCACC[C>T]GTCCCCTGGACCGGCACCGCCACAGAGGGTCAGGAGTGTTGGCACCTGTCTTCCGGATCT-3'

ClinVar aggregate classification (germline): Likely benign (1 of 4 stars; one submission).

Allele frequency attached by ClinVar (database versions not stated): gnomAD 0.00059; gnomAD exomes 0.00135; ExAC 0.00268.
gnomAD v4.1: 501 of 432,020 alleles (0.12%); highest among the groups gnomAD compares: Middle Eastern, 1.2%; 20 homozygotes.

Submission:

CeGaT Center for Human Genetics Tuebingen
Classification: Likely benign. Last evaluated: 2022-12-01. Review status: criteria provided, single submitter. Criteria: CeGaT Center For Human Genetics Tuebingen Variant Classification Criteria Version 2. Collection method: clinical testing. Allele origin: germline. Affected: yes. Observed: 1 variant allele.
Comment: CBFA2T3: BS2